The following is an entry in ClinVar:

NM_001377.3(DYNC2H1):c.6951C>T (p.His2317=)

Gene: DYNC2H1 (dynein cytoplasmic 2 heavy chain 1; plus strand). Cytogenetic location: 11q22.3.
Variant type: single nucleotide variant.
Coding change: c.6951C>T on transcript NM_001377.3 (MANE Select); coding-DNA position 6951, C replaced by T.
Protein change: p.His2317=; no amino-acid change (histidine 2317 retained).
Molecular consequence: synonymous variant.
Genome position (GRCh38, 1-based): chr11:103,187,397, C>T. VCF-style: chr11-103187397-C-T. GRCh37 (hg19) VCF-style: chr11-103058126-C-T.
Other names: p.His2317=; c.6951C>T, p.His2317= (NM_001080463.2).
Identifiers: ClinVar variation 93529 (VCV000093529.35), dbSNP rs586592, ClinGen allele CA147031.
Genomic context (GRCh38, chr11:103,187,397, plus strand): 5'-TAGGATGCTGCTCAGGTACGCATTTTCACAACTCCGGTCCACTCAAATTGCTACAGTTCA[C>T]TGTAGTGCACAAACCACTTCTCGACATCTCCTGCAGAAACTGAGCCAGACTTGCATGGTA-3'
Protein context (NP_001368.2, residues 2307-2327): QLRSTQIATV[His2317=]CSAQTTSRHL

ClinVar aggregate classification (germline): Benign. Review status: criteria provided, multiple submitters, no conflicts (2 of 4 stars). 13 submissions from 13 submitters: Benign (10). 3 of the submissions do not count toward it. Last evaluated 2026-02-04.

Conditions:
Jeune thoracic dystrophy. Also called: Jeune syndrome; Infantile thoracic dystrophy; Thoracic pelvic phalangeal dystrophy; Jeune's syndrome; Chondroectodermal dysplasia-like syndrome; Short-rib thoracic dysplasia. Identifiers: Orphanet 474, MedGen C0265275, MONDO:0018770.
Asphyxiating thoracic dystrophy 3. Also called: Short rib polydactyly syndrome 2B; Saldino-Noonan Syndrome; POLYDACTYLY WITH NEONATAL CHONDRODYSTROPHY, TYPE I; SHORT-RIB THORACIC DYSPLASIA 3/6 WITH POLYDACTYLY, DIGENIC; SHORT-RIB THORACIC DYSPLASIA 3 WITH OR WITHOUT POLYDACTYLY. Identifiers: Orphanet 474, Orphanet 93269, Orphanet 93270, Orphanet 93271, MedGen C0036069, MONDO:0013127, OMIM 613091.

Allele frequency attached by ClinVar (database versions not stated): gnomAD exomes 0.61678 and 0.63728; 1000 Genomes Project 0.61701; 1000 Genomes Project 30x 0.62180; ExAC 0.63296; gnomAD 0.63833 and 0.64171; ESP Exome Variant Server 0.64377; TOPMed 0.64668.
gnomAD v4.1: 998,096 of 1,612,840 alleles (62%); highest among the groups gnomAD compares: Admixed American, 74%; 310,608 homozygotes.

Submissions (13):

Labcorp Genetics (formerly Invitae), Labcorp
Classification: Benign for Jeune thoracic dystrophy. Last evaluated: 2026-02-04. Review status: criteria provided, single submitter. Criteria: Invitae Variant Classification Sherloc (09022015). Collection method: clinical testing. Allele origin: germline.

Women's Health and Genetics/Laboratory Corporation of America, LabCorp
Classification: Benign. Last evaluated: 2026-01-08. Review status: criteria provided, single submitter. Criteria: LabCorp Variant Classification Summary - May 2015. Collection method: clinical testing. Allele origin: germline.

Blueprint Genetics
Classification: Benign. Last evaluated: 2024-11-27. Review status: criteria provided, single submitter. Criteria: ACMG Guidelines, 2015. Collection method: clinical testing. Allele origin: germline.

Mayo Clinic Laboratories, Mayo Clinic
Classification: Benign. Last evaluated: 2022-03-09. Review status: criteria provided, single submitter. Criteria: ACMG Guidelines, 2015. Collection method: clinical testing. Allele origin: germline. Observed: 66 variant alleles.

Genome-Nilou Lab
Classification: Benign for Asphyxiating thoracic dystrophy 3. Last evaluated: 2021-07-30. Review status: criteria provided, single submitter. Criteria: ACMG Guidelines, 2015. Collection method: clinical testing. Allele origin: germline. Affected: no.

Illumina Laboratory Services, Illumina
Classification: Benign for Asphyxiating thoracic dystrophy 3. Last evaluated: 2018-01-12. Review status: criteria provided, single submitter. Criteria: ICSL Variant Classification Criteria 13 December 2019. Collection method: clinical testing. Allele origin: germline.
Comment: This variant was observed in the ICSL laboratory as part of a predisposition screen in an ostensibly healthy population. It had not been previously curated by ICSL or reported in the Human Gene Mutation Database (HGMD: prior to June 1st, 2018), and was therefore a candidate for classification through an automated scoring system. Utilizing variant allele frequency, disease prevalence and penetrance estimates, and inheritance mode, an automated score was calculated to assess if this variant is too frequent to cause the disease. Based on the score and internal cut-off values, a variant classified as benign is not then subjected to further curation. The score for this variant resulted in a classification of benign for this disease.

Laboratory for Molecular Medicine, Mass General Brigham Personalized Medicine
Classification: Benign. Last evaluated: 2016-03-28. Review status: criteria provided, single submitter. Criteria: LMM Criteria. Collection method: clinical testing. Allele origin: germline.
Comment: Variant identified in a genome or exome case(s) and assessed due to predicted null impact of the variant or pathogenic assertions in the literature or databases. Disclaimer: This variant has not undergone full assessment. The following are preliminary notes: Frequency

GeneDx
Classification: Benign. Last evaluated: 2016-03-03. Review status: criteria provided, single submitter. Criteria: GeneDx Variant Classification (06012015). Collection method: clinical testing. Allele origin: germline. Affected: yes.
Comment: This variant is considered likely benign or benign based on one or more of the following criteria: it is a conservative change, it occurs at a poorly conserved position in the protein, it is predicted to be benign by multiple in silico algorithms, and/or has population frequency not consistent with disease.

Eurofins Ntd Llc (ga)
Classification: Benign. Last evaluated: 2013-03-06. Review status: criteria provided, single submitter. Criteria: EGL Classification Definitions 2015. Collection method: clinical testing. Allele origin: germline. Observed: 1 variant allele, 1 homozygote.

Breakthrough Genomics
Classification: Benign. Review status: criteria provided, single submitter. Criteria: ACMG Guidelines, 2015. Collection method: not provided. Allele origin: germline. Inheritance: Autosomal recessive inheritance. Affected: yes.

Clinical Genetics DNA and cytogenetics Diagnostics Lab, Erasmus MC, Erasmus Medical Center
Classification: Benign. Review status: no assertion criteria provided. Collection method: clinical testing. Allele origin: germline. Affected: yes. Study: VKGL Data-share Consensus. Not counted in ClinVar's aggregate classification.

Diagnostic Laboratory, Department of Genetics, University Medical Center Groningen
Classification: Benign. Review status: no assertion criteria provided. Collection method: clinical testing. Allele origin: germline. Affected: yes. Study: VKGL Data-share Consensus. Not counted in ClinVar's aggregate classification.

Joint Genome Diagnostic Labs from Nijmegen and Maastricht, Radboudumc and MUMC+
Classification: Benign. Review status: no assertion criteria provided. Collection method: clinical testing. Allele origin: germline. Affected: yes. Study: VKGL Data-share Consensus. Not counted in ClinVar's aggregate classification.